The following is an entry in ClinVar:

NM_005188.4(CBL):c.527G>A (p.Gly176Glu)

Gene: CBL (Cbl proto-oncogene; plus strand). Cytogenetic location: 11q23.3.
Variant type: single nucleotide variant.
Coding change: c.527G>A on transcript NM_005188.4 (MANE Select); coding-DNA position 527, G replaced by A.
Protein change: p.Gly176Glu; replaces glycine 176 with glutamic acid.
Molecular consequence: missense variant.
Genome position (GRCh38, 1-based): chr11:119,271,818, G>A. VCF-style: chr11-119271818-G-A. GRCh37 (hg19) VCF-style: chr11-119142528-G-A.
Other names: short protein forms G176E.
Identifiers: ClinVar variation 3634382 (VCV003634382.2).

ClinVar aggregate classification (germline): Uncertain significance (1 of 4 stars; one submission).

Conditions:
RASopathy. Also called: rasopathies; Noonan spectrum disorder. Identifiers: Orphanet 536391, MedGen C5555857, MONDO:0021060.

Submission:

Labcorp Genetics (formerly Invitae), Labcorp
Classification: Uncertain significance for RASopathy. Last evaluated: 2024-11-11. Review status: criteria provided, single submitter. Criteria: Invitae Variant Classification Sherloc (09022015). Collection method: clinical testing. Allele origin: germline.
Comment: This sequence change replaces glycine, which is neutral and non-polar, with glutamic acid, which is acidic and polar, at codon 176 of the CBL protein (p.Gly176Glu). This variant is not present in population databases (gnomAD no frequency). This variant has not been reported in the literature in individuals affected with CBL-related conditions. Invitae Evidence Modeling of protein sequence and biophysical properties (such as structural, functional, and spatial information, amino acid conservation, physicochemical variation, residue mobility, and thermodynamic stability) indicates that this missense variant is expected to disrupt CBL protein function with a positive predictive value of 95%. In summary, the available evidence is currently insufficient to determine the role of this variant in disease. Therefore, it has been classified as a Variant of Uncertain Significance.